The following is an entry in ClinVar:

NM_020975.6(RET):c.1422G>A (p.Arg474=)

Gene: RET (ret proto-oncogene; plus strand). Cytogenetic location: 10q11.21.
Variant type: single nucleotide variant.
Coding change: c.1422G>A on transcript NM_020975.6 (MANE Select); coding-DNA position 1422, G replaced by A.
Protein change: p.Arg474=; no amino-acid change (arginine 474 retained).
Molecular consequence: synonymous variant. On other transcripts: intron variant (15).
Genome position (GRCh38, 1-based): chr10:43,111,365, G>A. VCF-style: chr10-43111365-G-A. GRCh37 (hg19) VCF-style: chr10-43606813-G-A.
Other names: c.660G>A, p.Arg220= (NM_001355216.2); c.1422G>A, p.Arg474= (NM_001406743.1, NM_001406744.1, NM_001406759.1 and 4 more transcripts); c.1293G>A, p.Arg431= (NM_001406761.1, NM_001406762.1, NM_001406764.1 and 1 more transcripts); c.1134G>A, p.Arg378= (NM_001406766.1, NM_001406767.1, NM_001406770.1); c.1026G>A, p.Arg342= (NM_001406769.1, NM_001406772.1); c.984G>A, p.Arg328= (NM_001406771.1, NM_001406773.1); c.897G>A, p.Arg299= (NM_001406774.1); c.696G>A, p.Arg232= (NM_001406775.1, NM_001406776.1, NM_001406777.1 and 1 more transcripts); and 5 more.
Identifiers: ClinVar variation 3313751 (VCV003313751.2).

ClinVar aggregate classification (germline): Likely benign. Review status: criteria provided, multiple submitters, no conflicts (2 of 4 stars). 2 submissions from 2 submitters: Likely benign (2). Last evaluated 2024-07-20.

Conditions:
Multiple endocrine neoplasia, type 2 (MEN2). Identifiers: Orphanet 653, MedGen C4048306, MONDO:0019003. Disease mechanism: gain of function.
Hereditary cancer-predisposing syndrome. Also called: Neoplastic Syndromes, Hereditary; Tumor predisposition; Hereditary neoplastic syndrome; Hereditary Cancer Syndrome. Identifiers: Orphanet 140162, MedGen C0027672, MeSH D009386, MONDO:0015356.

Submissions (2):

All of Us Research Program, National Institutes of Health
Classification: Likely benign for Multiple endocrine neoplasia, type 2. Last evaluated: 2024-07-20. Review status: criteria provided, single submitter. Criteria: ACMG Guidelines, 2015. Collection method: clinical testing. Allele origin: germline. Inheritance: Autosomal dominant inheritance. Observed: 1 variant allele, 1 heterozygote.
Comment: This study involves interpretation of variants in research participants for the purpose of population health screening. Participant phenotype was not available at the time of variant classification. Additional details can be found in publication PMID: 35346344, PMCID: PMC8962531

Ambry Genetics
Classification: Likely benign for Hereditary cancer-predisposing syndrome. Last evaluated: 2024-06-19. Review status: criteria provided, single submitter. Criteria: Ambry Variant Classification Scheme 2023. Collection method: clinical testing. Allele origin: germline.